The following is an entry in ClinVar:

ClinVar aggregate classification (germline): Uncertain significance. Review status: criteria provided, single submitter (1 of 4 stars). 2 submissions from 2 submitters: Uncertain significance (1). 1 of the submissions does not count toward it. Last evaluated 2026-01-05.

Conditions:
POLG-related disorder. Also called: POLG-related condition; POLG-Related Disorders; POLG-Related Spectrum Disorders. Identifiers: MedGen C4763519.
Progressive sclerosing poliodystrophy (MTDPS4A). Also called: NEURONAL DEGENERATION OF CHILDHOOD WITH LIVER DISEASE, PROGRESSIVE; Alpers-Huttenlocher Syndrome (AHS); ALPERS PROGRESSIVE INFANTILE POLIODYSTROPHY; Mitochondrial DNA Depletion Syndrome 4A; Alpers Syndrome; ALPERS DIFFUSE DEGENERATION OF CEREBRAL GRAY MATTER WITH HEPATIC CIRRHOSIS. Identifiers: Orphanet 726, MedGen C0205710, MONDO:0008758, OMIM 203700.

Submissions (2):

Labcorp Genetics (formerly Invitae), Labcorp
Classification: Uncertain significance for Progressive sclerosing poliodystrophy. Last evaluated: 2026-01-05. Review status: criteria provided, single submitter. Criteria: Invitae Variant Classification Sherloc (09022015). Collection method: clinical testing. Allele origin: germline.
Comment: This variant, c.149_166dup, results in the insertion of 6 amino acid(s) of the POLG protein (p.Gln50_Gln55dup), but otherwise preserves the integrity of the reading frame. The frequency data for this variant in the population databases is considered unreliable, as metrics indicate poor data quality at this position in the gnomAD database. This variant has not been reported in the literature in individuals affected with POLG-related conditions. ClinVar contains an entry for this variant (Variation ID: 1045880). Experimental studies and prediction algorithms are not available or were not evaluated, and the functional significance of this variant is currently unknown. In summary, the available evidence is currently insufficient to determine the role of this variant in disease. Therefore, it has been classified as a Variant of Uncertain Significance.

PreventionGenetics, part of Exact Sciences
Classification: Uncertain significance for POLG-related condition. Last evaluated: 2024-08-15. Review status: no assertion criteria provided. Collection method: clinical testing. Allele origin: germline. Not counted in ClinVar's aggregate classification.
Comment: The POLG c.149_166dup18 variant is predicted to result in an in-frame duplication (p.Gln50_Gln55dup). To our knowledge, this variant has not been reported in the literature. This variant is reported in 0.014% of alleles in individuals of African descent in gnomAD. At this time, the clinical significance of this variant is uncertain due to the absence of conclusive functional and genetic evidence.

NM_002693.3(POLG):c.149_166dup (p.Gln50_Gln55dup)

Genes: POLG (DNA polymerase gamma, catalytic subunit; minus strand), POLGARF (POLG alternative reading frame; minus strand). Cytogenetic location: 15q26.1.
Variant type: Duplication.
Coding change: c.149_166dup on transcript NM_002693.3 (MANE Select); coding-DNA positions 149 to 166, 18 bases duplicated (AGCAGCAGCAACAGCAGC).
Protein change: p.Gln50_Gln55dup.
Molecular consequence: inframe insertion.
Genome position (GRCh38, 1-based): chr15:89,333,589-89,333,606, GCTGCTGTTGCTGCTGCT duplicated on the plus strand (AGCAGCAGCAACAGCAGC on the coding strand, the reverse complement: POLG is on the minus strand); duplicating any 18 consecutive bases within chr15:89,333,589-89,333,613 gives the same sequence; the c. name uses the placement nearest the transcript's 3' end. VCF-style (leftmost placement, unchanged base first): chr15-89333588-G-GGCTGCTGTTGCTGCTGCT. GRCh37 (hg19) VCF-style: chr15-89876819-G-GGCTGCTGTTGCTGCTGCT.
Other names: c.149_166dup, p.Gln50_Gln55dup (NM_001126131.2); c.149_166dup18 (NM_002693.2).
Identifiers: ClinVar variation 1045880 (VCV001045880.7), dbSNP rs773536141, ClinGen allele CA619857516.